The following is an entry in ClinVar:

ClinVar aggregate classification (germline): Uncertain significance. Review status: criteria provided, multiple submitters, no conflicts (2 of 4 stars). 2 submissions from 2 submitters: Uncertain significance (2). Last evaluated 2025-02-07.

Conditions:
Epilepsy, familial adult myoclonic, 5 (EPEO5). Also called: CORTICAL MYOCLONIC TREMOR WITH EPILEPSY, FAMILIAL, 5. Identifiers: Orphanet 86814, MedGen C3809374, MONDO:0014167, OMIM 615400.

Allele frequency attached by ClinVar (database versions not stated): ExAC 0.00002; gnomAD 0.00002; gnomAD exomes 0.00002 and 0.00003; TOPMed 0.00003.

Submissions (2):

Ambry Genetics
Classification: Uncertain significance. Last evaluated: 2025-02-07. Review status: criteria provided, single submitter. Criteria: Ambry Variant Classification Scheme 2023. Collection method: clinical testing. Allele origin: germline.

Labcorp Genetics (formerly Invitae), Labcorp
Classification: Uncertain significance for Epilepsy, familial adult myoclonic, 5. Last evaluated: 2022-08-22. Review status: criteria provided, single submitter. Criteria: Invitae Variant Classification Sherloc (09022015). Collection method: clinical testing. Allele origin: germline.
Comment: Advanced modeling of protein sequence and biophysical properties (such as structural, functional, and spatial information, amino acid conservation, physicochemical variation, residue mobility, and thermodynamic stability) performed at Invitae indicates that this missense variant is not expected to disrupt CNTN2 protein function. In summary, the available evidence is currently insufficient to determine the role of this variant in disease. Therefore, it has been classified as a Variant of Uncertain Significance. ClinVar contains an entry for this variant (Variation ID: 1053735). This variant has not been reported in the literature in individuals affected with CNTN2-related conditions. This variant is present in population databases (rs768629152, gnomAD 0.02%). This sequence change replaces arginine, which is basic and polar, with glutamine, which is neutral and polar, at codon 140 of the CNTN2 protein (p.Arg140Gln).

NM_005076.5(CNTN2):c.419G>A (p.Arg140Gln)

Gene: CNTN2 (contactin 2; plus strand). Cytogenetic location: 1q32.1.
Variant type: single nucleotide variant.
Coding change: c.419G>A on transcript NM_005076.5 (MANE Select); coding-DNA position 419, G replaced by A.
Protein change: p.Arg140Gln; replaces arginine 140 with glutamine.
Molecular consequence: missense variant. On other transcripts: non-coding transcript variant (1).
Genome position (GRCh38, 1-based): chr1:205,058,595, G>A. VCF-style: chr1-205058595-G-A. GRCh37 (hg19) VCF-style: chr1-205027723-G-A.
Other names: c.419G>A, p.Arg140Gln (NM_001346083.2); c.419G>A (NM_005076.3); short protein forms R140Q.
Identifiers: ClinVar variation 1053735 (VCV001053735.8), dbSNP rs768629152, ClinGen allele CA1351044.